The following is an entry in ClinVar:

ClinVar aggregate classification (germline): Uncertain significance. Review status: criteria provided, multiple submitters, no conflicts (2 of 4 stars). 2 submissions from 2 submitters: Uncertain significance (2). Last evaluated 2025-08-11.

Conditions:
Inborn genetic diseases. Identifiers: MedGen C0950123, MeSH D030342.

Allele frequency attached by ClinVar (database versions not stated): gnomAD 0.00011; TOPMed 0.00006; ESP Exome Variant Server 0.00008; ExAC 0.00013; gnomAD exomes 0.00008.
gnomAD v4.1: 134 of 1,611,576 alleles (0.0083%); highest among the groups gnomAD compares: East Asian, 0.098%; no homozygotes.

Submissions (2):

Ambry Genetics
Classification: Uncertain significance for Inborn genetic diseases. Last evaluated: 2025-08-11. Review status: criteria provided, single submitter. Criteria: Ambry Variant Classification Scheme 2023. Collection method: clinical testing. Allele origin: germline.

Labcorp Genetics (formerly Invitae), Labcorp
Classification: Uncertain significance. Last evaluated: 2022-11-01. Review status: criteria provided, single submitter. Criteria: Invitae Variant Classification Sherloc (09022015). Collection method: clinical testing. Allele origin: germline.
Comment: This sequence change replaces arginine, which is basic and polar, with glutamine, which is neutral and polar, at codon 1724 of the ITGB4 protein (p.Arg1724Gln). This variant is present in population databases (rs375778262, gnomAD 0.07%). This variant has not been reported in the literature in individuals affected with ITGB4-related conditions. Algorithms developed to predict the effect of missense changes on protein structure and function are either unavailable or do not agree on the potential impact of this missense change (SIFT: "Not Available"; PolyPhen-2: "Benign"; Align-GVGD: "Not Available"). In summary, the available evidence is currently insufficient to determine the role of this variant in disease. Therefore, it has been classified as a Variant of Uncertain Significance.

NM_000213.5(ITGB4):c.5381G>A (p.Arg1794Gln)

Genes: GALK1 (galactokinase 1; minus strand), ITGB4 (integrin subunit beta 4; plus strand). Cytogenetic location: 17q25.1.
Variant type: single nucleotide variant.
Coding change: c.5381G>A on transcript NM_000213.5 (MANE Select); coding-DNA position 5381, G replaced by A.
Protein change: p.Arg1794Gln; replaces arginine 1794 with glutamine.
Molecular consequence: missense variant. On other transcripts: intron variant (1).
Genome position (GRCh38, 1-based): chr17:75,757,467, G>A. VCF-style: chr17-75757467-G-A. GRCh37 (hg19) VCF-style: chr17-73753548-G-A.
Other names: c.5330G>A, p.Arg1777Gln (NM_001005619.2); c.5171G>A, p.Arg1724Gln (NM_001005731.3, NM_001321123.2); c.5021G>A, p.Arg1674Gln (NM_001438834.1); c.*22+567C>T (NM_001381985.1); short protein forms R1777Q, R1724Q, R1794Q, R1674Q.
Identifiers: ClinVar variation 2163901 (VCV002163901.2), dbSNP rs375778262, ClinGen allele CA8770592.
Genomic context (GRCh38, chr17:75,757,467, plus strand): 5'-CCTCCACAGATGGGCTGACCCTGGGGGCCCAGCACCTGGAGGCAGGCGGCTCCCTCACCC[G>A]GCATGTGACCCAGGAGTTTGTGAGCCGGACACTGACCACCAGCGGAACCCTTAGCACCCA-3'
Protein context (NP_000204.3, residues 1784-1804): QHLEAGGSLT[Arg1794Gln]HVTQEFVSRT